The following is an entry in ClinVar:

ClinVar aggregate classification (germline): Pathogenic/Likely pathogenic. Review status: criteria provided, multiple submitters, no conflicts (2 of 4 stars). 4 submissions from 4 submitters: Pathogenic (3); Likely pathogenic (1). Last evaluated 2026-06-17.

Conditions:
Fetal anomalies with a likely genetic cause.
ARMC4-related disorders.
Primary ciliary dyskinesia 23 (CILD23). Also called: CILIARY DYSKINESIA, PRIMARY, 23, WITH OR WITHOUT SITUS INVERSUS. Identifiers: Orphanet 244, MedGen C3809548, MONDO:0014193, OMIM 615451.

Submissions (4):

Genetics Laboratory, Great Ormond Street Hospital NHS Foundation Trust, North Thames Genomic Laboratory Hub
Classification: Pathogenic for Fetal anomalies with a likely genetic cause. Last evaluated: 2026-06-17. Review status: criteria provided, single submitter. Criteria: ACGS Best Practice Guidelines for Variant Classification in Rare Disease 2024 v1.2. Collection method: clinical testing. Allele origin: germline. Affected: yes.
Comment: PM2_moderate, PVS1_very-strong

Labcorp Genetics (formerly Invitae), Labcorp
Classification: Pathogenic for Primary ciliary dyskinesia 23. Last evaluated: 2025-09-26. Review status: criteria provided, single submitter. Criteria: Invitae Variant Classification Sherloc (09022015). Collection method: clinical testing. Allele origin: germline.
Comment: This sequence change creates a premature translational stop signal (p.Tyr698Thrfs*35) in the ARMC4 gene. It is expected to result in an absent or disrupted protein product. Loss-of-function variants in ARMC4 are known to be pathogenic (PMID: 23849778). This variant is present in population databases (rs778597841, gnomAD 0.002%). This variant has not been reported in the literature in individuals affected with ARMC4-related conditions. ClinVar contains an entry for this variant (Variation ID: 3339104). Algorithms developed to predict the effect of sequence changes on RNA splicing suggest that this variant may create or strengthen a splice site. For these reasons, this variant has been classified as Pathogenic.

Women's Health and Genetics/Laboratory Corporation of America, LabCorp
Classification: Pathogenic for Primary ciliary dyskinesia 23. Last evaluated: 2024-07-05. Review status: criteria provided, single submitter. Criteria: LabCorp Variant Classification Summary - May 2015. Collection method: clinical testing. Allele origin: germline.
Comment: Variant summary: ODAD2 c.2092delT (p.Tyr698ThrfsX35) results in a premature termination codon, predicted to cause a truncation of the encoded protein or absence of the protein due to nonsense mediated decay, which are commonly known mechanisms for disease. The variant allele was found at a frequency of 8.5e-06 in 236636 control chromosomes (gnomAD). To our knowledge, no occurrence of c.2092delT in individuals affected with Primary Ciliary Dyskinesia 23 and no experimental evidence demonstrating its impact on protein function have been reported. No submitters have cited clinical-significance assessments for this variant to ClinVar. Based on the evidence outlined above, the variant was classified as pathogenic.

Blueprint Genetics
Classification: Likely pathogenic for ARMC4-related disorders. Last evaluated: 2022-08-02. Review status: criteria provided, single submitter. Criteria: ACMG Guidelines, 2015. Collection method: clinical testing. Allele origin: germline. Affected: yes. Observed: 1 variant allele.

Literature cited by the submitters: PubMed 23849778 (cited by Labcorp Genetics (formerly Invitae), Labcorp).

NM_018076.5(ODAD2):c.2092del (p.Tyr698fs)

Gene: ODAD2 (outer dynein arm docking complex subunit 2; minus strand). Cytogenetic location: 10p12.1.
Variant type: Deletion.
Coding change: c.2092del on transcript NM_018076.5 (MANE Select); coding-DNA position 2092, one base deleted (T; older notation c.2092delT).
Protein change: p.Tyr698fs; shifts the reading frame from tyrosine 698.
Molecular consequence: frameshift variant.
Genome position (GRCh38, 1-based): chr10:27,939,902, A deleted on the plus strand (T on the coding strand, the reverse complement: ODAD2 is on the minus strand); the first of 3 consecutive A bases (chr10:27,939,902-27,939,904); deleting any one gives the same sequence. VCF-style (leftmost placement, unchanged base first): chr10-27939901-TA-T. GRCh37 (hg19) VCF-style: chr10-28228830-TA-T.
Other names: c.2092del, p.Tyr698fs (NM_001290020.2); c.667del, p.Tyr223fs (NM_001290021.2); c.1168del, p.Tyr390fs (NM_001312689.2); c.2092delT (NM_018076.5); short protein forms Y223fs, Y390fs, Y698fs.
Identifiers: ClinVar variation 3339104 (VCV003339104.4).
Genomic context (GRCh38, chr10:27,939,901, plus strand): 5'-CTACCTTAAACTATGTGAGAAAGAACGCCAACAACCGCTGGGAGAGTTCACTGCACCTGG[TA>T]AATGGCCATGGCGCAGTGCTCCTGCAGCTGCTCATTCTCACTATTTAGGTTCTTGACAAG-3'